The following is an entry in ClinVar:

NM_001145809.2(MYH14):c.3323G>T (p.Arg1108Leu)

Gene: MYH14 (myosin heavy chain 14; plus strand). Cytogenetic location: 19q13.33.
Variant type: single nucleotide variant.
Coding change: c.3323G>T on transcript NM_001145809.2 (MANE Select); coding-DNA position 3323, G replaced by T.
Protein change: p.Arg1108Leu; replaces arginine 1108 with leucine.
Molecular consequence: missense variant.
Genome position (GRCh38, 1-based): chr19:50,272,587, G>T. VCF-style: chr19-50272587-G-T. GRCh37 (hg19) VCF-style: chr19-50775844-G-T.
Other names: c.3224G>T, p.Arg1075Leu (NM_001077186.2); c.3200G>T, p.Arg1067Leu (NM_024729.4); short protein forms R1067L, R1075L, R1108L.
Identifiers: ClinVar variation 4072470 (VCV004072470.1).

ClinVar aggregate classification (germline): Uncertain significance (1 of 4 stars; one submission).

gnomAD v4.1: 4 of 1,579,072 alleles (0.00025%); highest among the groups gnomAD compares: South Asian, 0.0012%; no homozygotes.

Submission:

GeneDx
Classification: Uncertain significance. Last evaluated: 2025-02-04. Review status: criteria provided, single submitter. Criteria: GeneDx Variant Classification Process June 2021. Collection method: clinical testing. Allele origin: germline. Affected: yes.
Comment: In silico analysis supports that this missense variant has a deleterious effect on protein structure/function; Has not been previously published as pathogenic or benign to our knowledge